The following is an entry in ClinVar:

NM_201596.3(CACNB2):c.790C>A (p.Pro264Thr)

Gene: CACNB2 (calcium voltage-gated channel auxiliary subunit beta 2; plus strand). Cytogenetic location: 10p12.31.
Variant type: single nucleotide variant.
Coding change: c.790C>A on transcript NM_201596.3 (MANE Select); coding-DNA position 790, C replaced by A.
Protein change: p.Pro264Thr; replaces proline 264 with threonine.
Molecular consequence: missense variant. On other transcripts: intron variant (6).
Genome position (GRCh38, 1-based): chr10:18,514,355, C>A. VCF-style: chr10-18514355-C-A. GRCh37 (hg19) VCF-style: chr10-18803284-C-A.
Other names: c.646C>A, p.Pro216Thr (NM_201570.3); c.706C>A, p.Pro236Thr (NM_201571.4); c.628C>A, p.Pro210Thr (NM_201590.3); c.587-156C>A (NM_001167945.2); c.587-625C>A (NM_201572.4); c.671-156C>A (NM_201593.3); c.671-625C>A (NM_201597.3); c.506-156C>A (NM_001330060.2); and 2 more; short protein forms P216T, P236T, P209T, P210T, P264T.
Identifiers: ClinVar variation 4841441 (VCV004841441.1).
Genomic context (GRCh38, chr10:18,514,355, plus strand): 5'-CGCTCCCCTAAACCCAGTGCAAACAGTGTAACGTCACCCCACTCCAAAGAGAAAAGAATG[C>A]CCTTCTTTAAGAAGGTAACATTAACTTCCAAGCTCCCATTGTCCACCTGCTCAACTGCAC-3'
Protein context (NP_963890.2, residues 254-274): TSPHSKEKRM[Pro264Thr]FFKKTEHTPP

ClinVar aggregate classification (germline): Uncertain significance (1 of 4 stars; one submission).

Conditions:
Cardiovascular phenotype. Identifiers: MedGen CN230736.

gnomAD v4.1: 10 of 1,613,978 alleles (0.00062%); highest among the groups gnomAD compares: Non-Finnish European, 0.00085%; no homozygotes.

Submission:

Ambry Genetics
Classification: Uncertain significance for Cardiovascular phenotype. Last evaluated: 2025-12-21. Review status: criteria provided, single submitter. Criteria: Ambry Variant Classification Scheme 2023. Collection method: clinical testing. Allele origin: germline.
Comment: The p.P210T variant (also known as c.628C>A), located in coding exon 6 of the CACNB2 gene, results from a C to A substitution at nucleotide position 628. The proline at codon 210 is replaced by threonine, an amino acid with highly similar properties. This amino acid position is conserved. In addition, the in silico prediction for this alteration is inconclusive. Based on the available evidence, the clinical significance of this variant remains unclear.